The following is an entry in ClinVar:

NM_001351132.2(PEX5):c.404A>G (p.Tyr135Cys)

Gene: PEX5 (peroxisomal biogenesis factor 5; plus strand). Cytogenetic location: 12p13.31.
Variant type: single nucleotide variant.
Coding change: c.404A>G on transcript NM_001351132.2 (MANE Select); coding-DNA position 404, A replaced by G.
Protein change: p.Tyr135Cys; replaces tyrosine 135 with cysteine.
Molecular consequence: missense variant.
Genome position (GRCh38, 1-based): chr12:7,191,656, A>G. VCF-style: chr12-7191656-A-G. GRCh37 (hg19) VCF-style: chr12-7344252-A-G.
Other names: c.404A>G, p.Tyr135Cys (NM_000319.5, NM_001131024.2, NM_001131025.2 and 19 more transcripts); c.449A>G, p.Tyr150Cys (NM_001131023.2, NM_001351135.3, NM_001351138.2); short protein forms Y135C, Y150C.
Identifiers: ClinVar variation 1369753 (VCV001369753.6), dbSNP rs1385787688, ClinGen allele CA383712612.

ClinVar aggregate classification (germline): Uncertain significance (1 of 4 stars; one submission).

Conditions:
Peroxisome biogenesis disorder 2B (PBD2B). Identifiers: Orphanet 44, MedGen C3550234, MONDO:0008736, OMIM 202370.

Allele frequency attached by ClinVar (database versions not stated): TOPMed 0.00002.
gnomAD v4.1: 2 of 1,613,786 alleles (0.00012%); highest among the groups gnomAD compares: African/African-American, 0.0027%; no homozygotes.

Submission:

Labcorp Genetics (formerly Invitae), Labcorp
Classification: Uncertain significance for Peroxisome biogenesis disorder 2B. Last evaluated: 2025-01-06. Review status: criteria provided, single submitter. Criteria: Invitae Variant Classification Sherloc (09022015). Collection method: clinical testing. Allele origin: germline.
Comment: This sequence change replaces tyrosine, which is neutral and polar, with cysteine, which is neutral and slightly polar, at codon 135 of the PEX5 protein (p.Tyr135Cys). This variant is not present in population databases (gnomAD no frequency). This variant has not been reported in the literature in individuals affected with PEX5-related conditions. ClinVar contains an entry for this variant (Variation ID: 1369753). Invitae Evidence Modeling of protein sequence and biophysical properties (such as structural, functional, and spatial information, amino acid conservation, physicochemical variation, residue mobility, and thermodynamic stability) indicates that this missense variant is not expected to disrupt PEX5 protein function with a negative predictive value of 80%. In summary, the available evidence is currently insufficient to determine the role of this variant in disease. Therefore, it has been classified as a Variant of Uncertain Significance.